The following is an entry in ClinVar:

NM_001927.4(DES):c.367A>T (p.Ile123Phe)

Gene: DES (desmin; plus strand). Cytogenetic location: 2q35.
Variant type: single nucleotide variant.
Coding change: c.367A>T on transcript NM_001927.4 (MANE Select); coding-DNA position 367, A replaced by T.
Protein change: p.Ile123Phe; replaces isoleucine 123 with phenylalanine.
Molecular consequence: missense variant.
Genome position (GRCh38, 1-based): chr2:219,418,829, A>T. VCF-style: chr2-219418829-A-T. GRCh37 (hg19) VCF-style: chr2-220283551-A-T.
Other names: c.367A>T, p.Ile123Phe (NM_001382708.1, NM_001382709.1, NM_001382710.1 and 3 more transcripts); short protein forms I123F.
Identifiers: ClinVar variation 3342354 (VCV003342354.2).

ClinVar aggregate classification (germline): Uncertain significance. Review status: criteria provided, multiple submitters, no conflicts (2 of 4 stars). 2 submissions from 2 submitters: Uncertain significance (2). Last evaluated 2024-01-09.

Submissions (2):

GeneDx
Classification: Uncertain significance. Last evaluated: 2024-01-09. Review status: criteria provided, single submitter. Criteria: GeneDx Variant Classification Process June 2021. Collection method: clinical testing. Allele origin: germline. Affected: yes.
Comment: Has not been previously published as pathogenic or benign to our knowledge; Not observed at significant frequency in large population cohorts (gnomAD); In silico analysis supports that this missense variant has a deleterious effect on protein structure/function; This variant is associated with the following publications: (PMID: 26807690)

Blueprint Genetics
Classification: Uncertain significance. Last evaluated: 2020-12-02. Review status: criteria provided, single submitter. Criteria: ACMG Guidelines, 2015. Collection method: clinical testing. Allele origin: germline.